The following is an entry in ClinVar:

ClinVar aggregate classification (germline): Pathogenic/Likely pathogenic. Review status: criteria provided, multiple submitters, no conflicts (2 of 4 stars). 2 submissions from 2 submitters: Pathogenic (1); Likely pathogenic (1). Last evaluated 2025-05-19.

Conditions:
Polycystic kidney disease, adult type (PKD1). Also called: Polycystic Kidney, Autosomal Dominant; POLYCYSTIC KIDNEY DISEASE, ADULT, TYPE I; Polycystic Kidney Disease 1, Autosomal Dominant; Polycystic kidney disease 1; Polycystic kidney disease 1, severe; POLYCYSTIC KIDNEY DISEASE 1 WITH OR WITHOUT POLYCYSTIC LIVER DISEASE. Identifiers: MedGen C3149841, MONDO:0008263, OMIM 173900.
PKD1-related disorder. Also called: PKD1-related condition.

Submissions (2):

Victorian Clinical Genetics Services, Murdoch Childrens Research Institute
Classification: Pathogenic for Polycystic kidney disease, adult type. Last evaluated: 2025-05-19. Review status: criteria provided, single submitter. Criteria: ACMG Guidelines, 2015. Collection method: clinical testing. Allele origin: germline. Affected: yes.
Comment: This variant is classified as Pathogenic. Evidence in support of pathogenic classification: Variant is predicted to cause nonsense-mediated decay (NMD) and loss of protein (premature termination codon is located at least 54 nucleotides upstream of the final exon-exon junction); Variant is absent from gnomAD (v2, v3 and v4); Other NMD-predicted variant(s) comparable to the one identified in this case have very strong previous evidence for pathogenicity (DECIPHER). Additional information: This variant is heterozygous; This gene is associated with autosomal dominant disease. Polycystic kidney disease 1 (MIM#173900) is predominantly caused by monoallelic variants, with rare reports of biallelic variants causing disease (OMIM); Loss of function is a known mechanism of disease in this gene and is associated with polycystic kidney disease 1 (MIM#173900); Inheritance information for this variant is not currently available in this individual.

Blueprint Genetics
Classification: Likely pathogenic for PKD1-related disorders. Last evaluated: 2023-09-26. Review status: criteria provided, single submitter. Criteria: ACMG Guidelines, 2015. Collection method: clinical testing. Allele origin: germline. Affected: yes. Observed: 1 variant allele.

NM_001009944.3(PKD1):c.12071del (p.Pro4024fs)

Gene: PKD1 (polycystin 1, transient receptor potential channel interacting; minus strand). Cytogenetic location: 16p13.3.
Variant type: Deletion.
Coding change: c.12071del on transcript NM_001009944.3 (MANE Select); coding-DNA position 12071, one base deleted (C; older notation c.12071delC).
Protein change: p.Pro4024fs; shifts the reading frame from proline 4024.
Molecular consequence: frameshift variant.
Genome position (GRCh38, 1-based): chr16:2,090,741, G deleted on the plus strand (C on the coding strand, the reverse complement: PKD1 is on the minus strand); the first of 2 consecutive G bases (chr16:2,090,741-2,090,742); deleting either gives the same sequence. VCF-style (leftmost placement, unchanged base first): chr16-2090740-TG-T. GRCh37 (hg19) VCF-style: chr16-2140741-TG-T.
Other names: c.12068del, p.Pro4023fs (NM_000296.4); short protein forms P4023fs, P4024fs.
Identifiers: ClinVar variation 4531533 (VCV004531533.2).